The following is an entry in ClinVar:

ClinVar aggregate classification (germline): Uncertain significance (1 of 4 stars; one submission).

gnomAD v4.1: 1 of 1,614,194 alleles (0.000062%); highest among the groups gnomAD compares: East Asian, 0.0022%; no homozygotes.

Submission:

Labcorp Genetics (formerly Invitae), Labcorp
Classification: Uncertain significance. Last evaluated: 2022-11-29. Review status: criteria provided, single submitter. Criteria: Invitae Variant Classification Sherloc (09022015). Collection method: clinical testing. Allele origin: germline.
Comment: This sequence change replaces aspartic acid, which is acidic and polar, with glutamic acid, which is acidic and polar, at codon 676 of the HIVEP2 protein (p.Asp676Glu). This variant is not present in population databases (gnomAD no frequency). This variant has not been reported in the literature in individuals affected with HIVEP2-related conditions. Advanced modeling of protein sequence and biophysical properties (such as structural, functional, and spatial information, amino acid conservation, physicochemical variation, residue mobility, and thermodynamic stability) performed at Invitae indicates that this missense variant is not expected to disrupt HIVEP2 protein function. In summary, the available evidence is currently insufficient to determine the role of this variant in disease. Therefore, it has been classified as a Variant of Uncertain Significance.

NM_006734.4(HIVEP2):c.2028T>A (p.Asp676Glu)

Gene: HIVEP2 (HIVEP zinc finger 2; minus strand). Cytogenetic location: 6q24.2.
Variant type: single nucleotide variant.
Coding change: c.2028T>A on transcript NM_006734.4 (MANE Select); coding-DNA position 2028, T replaced by A.
Protein change: p.Asp676Glu; replaces aspartic acid 676 with glutamic acid.
Molecular consequence: missense variant.
Genome position (GRCh38, 1-based): chr6:142,772,711, A>T on the plus strand (T>A on the coding strand, the complement: HIVEP2 is on the minus strand). VCF-style: chr6-142772711-A-T. GRCh37 (hg19) VCF-style: chr6-143093848-A-T.
Other names: short protein forms D676E.
Identifiers: ClinVar variation 2128940 (VCV002128940.4), dbSNP rs2482843210, ClinGen allele CA365911565.